The following is an entry in ClinVar:

NM_004565.3(PEX14):c.236C>T (p.Ser79Phe)

Gene: PEX14 (peroxisomal biogenesis factor 14; plus strand). Cytogenetic location: 1p36.22.
Variant type: single nucleotide variant.
Coding change: c.236C>T on transcript NM_004565.3 (MANE Select); coding-DNA position 236, C replaced by T.
Protein change: p.Ser79Phe; replaces serine 79 with phenylalanine.
Molecular consequence: missense variant.
Genome position (GRCh38, 1-based): chr1:10,599,304, C>T. VCF-style: chr1-10599304-C-T. GRCh37 (hg19) VCF-style: chr1-10659361-C-T.
Other names: c.236C>T (NM_004565.2); short protein forms S79F.
Identifiers: ClinVar variation 2026746 (VCV002026746.5), dbSNP rs934417001, ClinGen allele CA18354447.
Genomic context (GRCh38, chr1:10,599,304, plus strand): 5'-CAGATGAAGAGATTGATATGGCCTTCCAGCAGTCGGGCACTGCTGCCGATGAGCCTTCGT[C>T]CTTGGGCCCAGCCACACAGGTGGTTCCTGTCCAGCCCCCTCACCTCATATCTCAGCCATA-3'
Protein context (NP_004556.1, residues 69-89): QSGTAADEPS[Ser79Phe]LGPATQVVPV

ClinVar aggregate classification (germline): Uncertain significance. Review status: criteria provided, multiple submitters, no conflicts (2 of 4 stars). 2 submissions from 2 submitters: Uncertain significance (2). Last evaluated 2025-02-08.

Conditions:
Inborn genetic diseases. Identifiers: MedGen C0950123, MeSH D030342.
Peroxisome biogenesis disorder, complementation group K (CGK). Identifiers: MedGen C1866257, MONDO:0800365.

Allele frequency attached by ClinVar (database versions not stated): gnomAD exomes below 0.00001.
gnomAD v4.1: 7 of 1,614,158 alleles (0.00043%); highest among the groups gnomAD compares: Non-Finnish European, 0.00059%; no homozygotes.

Submissions (2):

Ambry Genetics
Classification: Uncertain significance for Inborn genetic diseases. Last evaluated: 2025-02-08. Review status: criteria provided, single submitter. Criteria: Ambry Variant Classification Scheme 2023. Collection method: clinical testing. Allele origin: germline.

Labcorp Genetics (formerly Invitae), Labcorp
Classification: Uncertain significance for Peroxisome biogenesis disorder, complementation group K. Last evaluated: 2024-12-02. Review status: criteria provided, single submitter. Criteria: Invitae Variant Classification Sherloc (09022015). Collection method: clinical testing. Allele origin: germline.
Comment: This sequence change replaces serine, which is neutral and polar, with phenylalanine, which is neutral and non-polar, at codon 79 of the PEX14 protein (p.Ser79Phe). This variant is not present in population databases (gnomAD no frequency). This variant has not been reported in the literature in individuals affected with PEX14-related conditions. ClinVar contains an entry for this variant (Variation ID: 2026746). Invitae Evidence Modeling of protein sequence and biophysical properties (such as structural, functional, and spatial information, amino acid conservation, physicochemical variation, residue mobility, and thermodynamic stability) indicates that this missense variant is not expected to disrupt PEX14 protein function with a negative predictive value of 80%. In summary, the available evidence is currently insufficient to determine the role of this variant in disease. Therefore, it has been classified as a Variant of Uncertain Significance.